The following is an entry in ClinVar:

NM_001370259.2(MEN1):c.1361A>G (p.Lys454Arg)

Gene: MEN1 (menin 1; minus strand). Cytogenetic location: 11q13.1.
Variant type: single nucleotide variant.
Coding change: c.1361A>G on transcript NM_001370259.2 (MANE Select); coding-DNA position 1361, A replaced by G.
Protein change: p.Lys454Arg; replaces lysine 454 with arginine.
Molecular consequence: missense variant. On other transcripts: non-coding transcript variant (4).
Genome position (GRCh38, 1-based): chr11:64,804,806, T>C on the plus strand (A>G on the coding strand, the complement: MEN1 is on the minus strand). VCF-style: chr11-64804806-T-C. GRCh37 (hg19) VCF-style: chr11-64572278-T-C.
Other names: c.1376A>G, p.Lys459Arg (NM_000244.4, NM_001407145.1, NM_130800.3 and 4 more transcripts); c.1487A>G, p.Lys496Arg (NM_001370251.2, NM_001407142.1, NM_001407143.1 and 1 more transcripts); c.1361A>G, p.Lys454Arg (NM_001370260.2, NM_001370261.2, NM_001407146.1 and 2 more transcripts); c.1256A>G, p.Lys419Arg (NM_001370262.2, NM_001370263.2, NM_001407148.1 and 1 more transcripts); c.1502A>G, p.Lys501Arg (NM_001407150.1); c.1382A>G, p.Lys461Arg (NM_001407151.1); c.1196A>G, p.Lys399Arg (NM_001407152.1); short protein forms K501R, K419R, K454R, K461R, K399R, K459R, K496R.
Identifiers: ClinVar variation 3394957 (VCV003394957.1).
Genomic context (GRCh38, chr11:64,804,806, plus strand): 5'-TCCTCGCCCCACGGCTCCTCGGCCTCGGCCGCCTCGGCCTCTCGGCTCACTATGCGCACC[T>C]TCTGCCGCACCTGGGCCAGTGGGGAGAGCAAGGTGAGAGCAAGGTTGCCGGCCAGTGGCT-3'
Protein context (NP_001357188.2, residues 444-464): LGRFEGQVRQ[Lys454Arg]VRIVSREAEA

ClinVar aggregate classification (germline): Uncertain significance (1 of 4 stars; one submission).

Conditions:
Hereditary cancer-predisposing syndrome. Also called: Hereditary Cancer Syndrome; Tumor predisposition; Hereditary neoplastic syndrome; Neoplastic Syndromes, Hereditary. Identifiers: Orphanet 140162, MedGen C0027672, MeSH D009386, MONDO:0015356.

Submission:

Ambry Genetics
Classification: Uncertain significance for Hereditary cancer-predisposing syndrome. Last evaluated: 2024-08-09. Review status: criteria provided, single submitter. Criteria: Ambry Variant Classification Scheme 2023. Collection method: clinical testing. Allele origin: germline.
Comment: The p.K454R variant (also known as c.1361A>G), located in coding exon 9 of the MEN1 gene, results from an A to G substitution at nucleotide position 1361. The lysine at codon 454 is replaced by arginine, an amino acid with highly similar properties. This amino acid position is conserved. In addition, the in silico prediction for this alteration is inconclusive. Based on the available evidence, the clinical significance of this variant remains unclear.